The following is an entry in ClinVar:

NM_016107.5(ZFR):c.266T>C (p.Val89Ala)

Gene: ZFR (zinc finger RNA binding protein; minus strand). Cytogenetic location: 5p13.3.
Variant type: single nucleotide variant.
Coding change: c.266T>C on transcript NM_016107.5 (MANE Select); coding-DNA position 266, T replaced by C.
Protein change: p.Val89Ala; replaces valine 89 with alanine.
Molecular consequence: missense variant. On other transcripts: non-coding transcript variant (1).
Genome position (GRCh38, 1-based): chr5:32,419,975, A>G on the plus strand (T>C on the coding strand, the complement: ZFR is on the minus strand). VCF-style: chr5-32419975-A-G. GRCh37 (hg19) VCF-style: chr5-32420080-A-G.
Other names: short protein forms V89A.
Identifiers: ClinVar variation 2077114 (VCV002077114.4), dbSNP rs2478465175, ClinGen allele CA359365596.

ClinVar aggregate classification (germline): Uncertain significance (1 of 4 stars; one submission).

Conditions:
Pure or complex autosomal recessive spastic paraplegia. Identifiers: Orphanet 320346, MedGen C5679887, MONDO:0017915.

Submission:

Labcorp Genetics (formerly Invitae), Labcorp
Classification: Uncertain significance for Pure or complex autosomal recessive spastic paraplegia. Last evaluated: 2024-02-23. Review status: criteria provided, single submitter. Criteria: Invitae Variant Classification Sherloc (09022015). Collection method: clinical testing. Allele origin: germline.
Comment: This sequence change replaces valine, which is neutral and non-polar, with alanine, which is neutral and non-polar, at codon 89 of the ZFR protein (p.Val89Ala). This variant is not present in population databases (gnomAD no frequency). This variant has not been reported in the literature in individuals affected with ZFR-related conditions. ClinVar contains an entry for this variant (Variation ID: 2077114). An algorithm developed to predict the effect of missense changes on protein structure and function (PolyPhen-2) suggests that this variant is likely to be disruptive. In summary, the available evidence is currently insufficient to determine the role of this variant in disease. Therefore, it has been classified as a Variant of Uncertain Significance.